The following is an entry in ClinVar:

NM_021930.6(RINT1):c.2252T>C (p.Leu751Pro)

Genes: EFCAB10 (EF-hand calcium binding domain 10; minus strand), RINT1 (RAD50 interactor 1; plus strand). Cytogenetic location: 7q22.3.
Variant type: single nucleotide variant.
Coding change: c.2252T>C on transcript NM_021930.6 (MANE Select); coding-DNA position 2252, T replaced by C.
Protein change: p.Leu751Pro; replaces leucine 751 with proline.
Molecular consequence: missense variant. On other transcripts: 3 prime UTR variant (2), non-coding transcript variant (1), intron variant (3).
Genome position (GRCh38, 1-based): chr7:105,567,184, T>C. VCF-style: chr7-105567184-T-C. GRCh37 (hg19) VCF-style: chr7-105207631-T-C.
Other names: c.*270A>G (NM_001355527.2, NM_001355529.2); c.2018T>C, p.Leu673Pro (NM_001346599.2); c.1229T>C, p.Leu410Pro (NM_001346600.2, NM_001346603.2); c.1328T>C, p.Leu443Pro (NM_001346601.2); c.360-1737A>G (NM_001355531.2); c.383+283A>G (NM_001355526.2, NM_001355530.2); short protein forms L673P, L410P, L443P, L751P.
Identifiers: ClinVar variation 1788462 (VCV001788462.2), dbSNP rs2485202254, ClinGen allele CA368815488.

ClinVar aggregate classification (germline): Uncertain significance (1 of 4 stars; one submission).

Submission:

Ambry Genetics
Classification: Uncertain significance. Last evaluated: 2022-04-26. Review status: criteria provided, single submitter. Criteria: Ambry Variant Classification Scheme 2023. Collection method: clinical testing. Allele origin: germline.
Comment: The p.L751P variant (also known as c.2252T>C), located in coding exon 15 of the RINT1 gene, results from a T to C substitution at nucleotide position 2252. The leucine at codon 751 is replaced by proline, an amino acid with similar properties. This amino acid position is conserved. In addition, this alteration is predicted to be deleterious by in silico analysis. Since supporting evidence is limited at this time, the clinical significance of this alteration remains unclear.